The following is an entry in ClinVar:

NM_001024845.3(SLC6A9):c.1787C>T (p.Thr596Ile)

Gene: SLC6A9 (solute carrier family 6 member 9; minus strand). Cytogenetic location: 1p34.1.
Variant type: single nucleotide variant.
Coding change: c.1787C>T on transcript NM_001024845.3 (MANE Select); coding-DNA position 1787, C replaced by T.
Protein change: p.Thr596Ile; replaces threonine 596 with isoleucine.
Molecular consequence: missense variant. On other transcripts: non-coding transcript variant (1).
Genome position (GRCh38, 1-based): chr1:43,997,660, G>A on the plus strand (C>T on the coding strand, the complement: SLC6A9 is on the minus strand). VCF-style: chr1-43997660-G-A. GRCh37 (hg19) VCF-style: chr1-44463332-G-A.
Other names: c.1799C>T, p.Thr600Ile (NM_001261380.2); c.1454C>T, p.Thr485Ile (NM_001328626.2); c.1724C>T, p.Thr575Ile (NM_001328627.1); c.1592C>T, p.Thr531Ile (NM_001328628.1); c.1787C>T, p.Thr596Ile (NM_001328629.1); c.1283C>T, p.Thr428Ile (NM_001328630.2); c.1844C>T, p.Thr615Ile (NM_006934.4); c.2006C>T, p.Thr669Ile (NM_201649.4); short protein forms T600I, T428I, T485I, T531I, T615I, T669I, T575I, T596I.
Identifiers: ClinVar variation 2108331 (VCV002108331.1), dbSNP rs2085919777, ClinGen allele CA340066383.

ClinVar aggregate classification (germline): Uncertain significance (1 of 4 stars; one submission).

Conditions:
Atypical glycine encephalopathy. Also called: Glycine encephalopathy with normal serum glycine. Identifiers: Orphanet 289863, MedGen C4310943, MONDO:0015010, OMIM 617301.

Allele frequency attached by ClinVar (database versions not stated): TOPMed below 0.00001.

Submission:

Labcorp Genetics (formerly Invitae), Labcorp
Classification: Uncertain significance for Atypical glycine encephalopathy. Last evaluated: 2022-03-10. Review status: criteria provided, single submitter. Criteria: Invitae Variant Classification Sherloc (09022015). Collection method: clinical testing. Allele origin: germline.
Comment: This sequence change replaces threonine, which is neutral and polar, with isoleucine, which is neutral and non-polar, at codon 669 of the SLC6A9 protein (p.Thr669Ile). This variant is not present in population databases (gnomAD no frequency). This variant has not been reported in the literature in individuals affected with SLC6A9-related conditions. Algorithms developed to predict the effect of missense changes on protein structure and function output the following: SIFT: "Tolerated"; PolyPhen-2: "Benign"; Align-GVGD: "Class C0". The isoleucine amino acid residue is found in multiple mammalian species, which suggests that this missense change does not adversely affect protein function. In summary, the available evidence is currently insufficient to determine the role of this variant in disease. Therefore, it has been classified as a Variant of Uncertain Significance.